The following is an entry in ClinVar:

ClinVar aggregate classification (germline): Uncertain significance (1 of 4 stars; one submission).

Conditions:
Hereditary cancer-predisposing syndrome. Also called: Neoplastic Syndromes, Hereditary; Hereditary Cancer Syndrome; Hereditary neoplastic syndrome; Tumor predisposition. Identifiers: Orphanet 140162, MedGen C0027672, MeSH D009386, MONDO:0015356.

Submission:

Ambry Genetics
Classification: Uncertain significance for Hereditary cancer-predisposing syndrome. Last evaluated: 2023-06-10. Review status: criteria provided, single submitter. Criteria: Ambry Variant Classification Scheme 2023. Collection method: clinical testing. Allele origin: germline.
Comment: The p.T1077S variant (also known as c.3230C>G), located in coding exon 21 of the TSC1 gene, results from a C to G substitution at nucleotide position 3230. The threonine at codon 1077 is replaced by serine, an amino acid with similar properties. This amino acid position is conserved. In addition, the in silico prediction for this alteration is inconclusive. Since supporting evidence is limited at this time, the clinical significance of this alteration remains unclear.

NM_000368.5(TSC1):c.3230C>G (p.Thr1077Ser)

Gene: TSC1 (TSC complex subunit 1; minus strand). Cytogenetic location: 9q34.13.
Variant type: single nucleotide variant.
Coding change: c.3230C>G on transcript NM_000368.5 (MANE Select); coding-DNA position 3230, C replaced by G.
Protein change: p.Thr1077Ser; replaces threonine 1077 with serine.
Molecular consequence: missense variant. On other transcripts: non-coding transcript variant (5).
Genome position (GRCh38, 1-based): chr9:132,896,500, G>C on the plus strand (C>G on the coding strand, the complement: TSC1 is on the minus strand). VCF-style: chr9-132896500-G-C. GRCh37 (hg19) VCF-style: chr9-135771887-G-C.
Other names: c.3227C>G, p.Thr1076Ser (NM_001162426.2, NM_001406597.1, NM_001406598.1 and 2 more transcripts); c.3077C>G, p.Thr1026Ser (NM_001162427.2, NM_001406610.1); c.2867C>G, p.Thr956Ser (NM_001362177.2, NM_001406614.1, NM_001406615.1 and 4 more transcripts); c.3230C>G, p.Thr1077Ser (NM_001406592.1, NM_001406593.1, NM_001406594.1 and 2 more transcripts); c.3215C>G, p.Thr1072Ser (NM_001406601.1, NM_001406602.1); c.3212C>G, p.Thr1071Ser (NM_001406603.1, NM_001406604.1); c.3188C>G, p.Thr1063Ser (NM_001406605.1, NM_001406606.1, NM_001406607.1); c.3185C>G, p.Thr1062Ser (NM_001406608.1, NM_001406609.1); and 8 more; short protein forms T1026S, T1063S, T1076S, T1077S, T726S, T956S, T1025S, T1062S.
Identifiers: ClinVar variation 2562904 (VCV002562904.2), dbSNP rs2131600156, ClinGen allele CA375366930.